The following is an entry in ClinVar:

NM_001203.3(BMPR1B):c.*195C>T

Gene: BMPR1B (bone morphogenetic protein receptor type 1B; plus strand). Cytogenetic location: 4q22.3.
Variant type: single nucleotide variant.
Coding change: c.*195C>T on transcript NM_001203.3 (MANE Select); 195 bases downstream of the stop codon, C replaced by T.
Molecular consequence: 3 prime UTR variant.
Genome position (GRCh38, 1-based): chr4:95,154,868, C>T. VCF-style: chr4-95154868-C-T. GRCh37 (hg19) VCF-style: chr4-96076019-C-T.
Other names: c.*195C>T (NM_001256792.2, NM_001256793.2, NM_001256794.1).
Identifiers: ClinVar variation 350132 (VCV000350132.8), dbSNP rs11725366, ClinGen allele CA10619607.

ClinVar aggregate classification (germline): Benign. Review status: criteria provided, multiple submitters, no conflicts (2 of 4 stars). 3 submissions from 3 submitters: Benign (3). Last evaluated 2019-01-20.

Conditions:
Brachydactyly. Also called: Brachydactyly syndrome; Brachydactyly (disease). Identifiers: MedGen C0221357, MONDO:0021004, HP:0001156.

Allele frequency attached by ClinVar (database versions not stated): gnomAD exomes 0.02086; 1000 Genomes Project 0.03395; 1000 Genomes Project 30x 0.03498; gnomAD 0.04010 and 0.04190; TOPMed 0.04268.
gnomAD v4.1: 18,017 of 717,560 alleles (2.5%); highest among the groups gnomAD compares: African/African-American, 8.2%; 402 homozygotes.

Submissions (3):

GeneDx
Classification: Benign. Last evaluated: 2019-01-20. Review status: criteria provided, single submitter. Criteria: GeneDx Variant Classification Process June 2021. Collection method: clinical testing. Allele origin: germline. Affected: yes.

Illumina Laboratory Services, Illumina
Classification: Benign for Brachydactyly. Last evaluated: 2018-01-13. Review status: criteria provided, single submitter. Criteria: ICSL Variant Classification Criteria 13 December 2019. Collection method: clinical testing. Allele origin: germline.
Comment: This variant was observed in the ICSL laboratory as part of a predisposition screen in an ostensibly healthy population. It had not been previously curated by ICSL or reported in the Human Gene Mutation Database (HGMD: prior to June 1st, 2018), and was therefore a candidate for classification through an automated scoring system. Utilizing variant allele frequency, disease prevalence and penetrance estimates, and inheritance mode, an automated score was calculated to assess if this variant is too frequent to cause the disease. Based on the score and internal cut-off values, a variant classified as benign is not then subjected to further curation. The score for this variant resulted in a classification of benign for this disease.

Breakthrough Genomics
Classification: Benign. Review status: criteria provided, single submitter. Criteria: ACMG Guidelines, 2015. Collection method: not provided. Allele origin: germline. Inheritance: Autosomal recessive inheritance. Affected: yes.